The following is an entry in ClinVar:

ClinVar aggregate classification (germline): Conflicting classifications of pathogenicity. Review status: criteria provided, conflicting classifications (1 of 4 stars). 2 submissions from 2 submitters: Pathogenic (1); Uncertain significance (1). Last evaluated 2020-03-18.

Submissions (2):

Athena Diagnostics
Classification: Pathogenic. Last evaluated: 2020-03-18. Review status: criteria provided, single submitter. Criteria: Athena Diagnostics Criteria. Collection method: clinical testing. Allele origin: unknown.
Comment: Not found in the total gnomAD dataset, and the data is high quality. Found in at least one patient with expected phenotype for this gene. 3 de novo cases with parental identity not confirmed.

Genetic Services Laboratory, University of Chicago
Classification: Uncertain significance. Last evaluated: 2020-01-16. Review status: criteria provided, single submitter. Criteria: ACMG Guidelines, 2015. Collection method: clinical testing. Allele origin: germline. Affected: no.
Comment: DNA sequence analysis of the WT1 gene demonstrated a sequence change, c.1334A>G, in exon 8 that results in an amino acid change, p.His445Arg. This sequence change has been previously described in a patient who presented with ambiguous genitalia (enlarged clitoris and labia majora) and large echogenic kidneys, supporting the diagnosis of e Denys-Drash syndrome (DDS)√¢‚Ç¨‚ÄúFrasier syndrome spectrum (NeoReviews August 2018, 19 (8) e485-e489). This sequence change has not been reported in the large population databases (ExAC and gnomAD). The p.His445Arg change affects a highly conserved amino acid residue located in a domain of the WT1 protein that is known to be functional. In-silico pathogenicity prediction tools (SIFT, PolyPhen2, Align GVGD, REVEL) provide contradictory results for the p.His445Arg substitution. Due to these contrasting evidences and the lack of functional studies, the clinical significance of the p.His445Arg change remains unknown at this time.

Literature cited by the submitters: PubMed 14671061 (cited by Athena Diagnostics); PubMed 25688735 (cited by Athena Diagnostics); PubMed 30914336 (cited by Athena Diagnostics); PubMed 11738793 (cited by Athena Diagnostics); PubMed 31937884 (cited by Athena Diagnostics); PubMed 8112732 (cited by Athena Diagnostics).

NM_024426.6(WT1):c.1349A>G (p.His450Arg)

Gene: WT1 (WT1 transcription factor; minus strand). Cytogenetic location: 11p13.
Variant type: single nucleotide variant.
Coding change: c.1349A>G on transcript NM_024426.6 (MANE Select); coding-DNA position 1349, A replaced by G.
Protein change: p.His450Arg; replaces histidine 450 with arginine.
Molecular consequence: missense variant. On other transcripts: non-coding transcript variant (1).
Genome position (GRCh38, 1-based): chr11:32,392,671, T>C on the plus strand (A>G on the coding strand, the complement: WT1 is on the minus strand). VCF-style: chr11-32392671-T-C. GRCh37 (hg19) VCF-style: chr11-32414217-T-C.
Other names: c.1298A>G, p.His433Arg (NM_000378.6, NM_001407045.1, NM_001407049.1); c.698A>G, p.His233Arg (NM_001198551.2); c.647A>G, p.His216Arg (NM_001198552.2); c.161A>G, p.His54Arg (NM_001367854.1); c.1343A>G, p.His448Arg (NM_001407044.1); c.1349A>G, p.His450Arg (NM_001407046.1, NM_024424.5); c.1226A>G, p.His409Arg (NM_001407047.1); c.1175A>G, p.His392Arg (NM_001407050.1); and 2 more; short protein forms H216R, H233R, H433R, H450R, H54R, H445R, H392R, H409R.
Identifiers: ClinVar variation 994596 (VCV000994596.5), dbSNP rs1851851609, ClinGen allele CA379959124.